The following is an entry in ClinVar:

ClinVar aggregate classification (germline): Uncertain significance. Review status: criteria provided, multiple submitters, no conflicts (2 of 4 stars). 2 submissions from 2 submitters: Uncertain significance (2). Last evaluated 2025-10-28.

Conditions:
Mitochondrial complex II deficiency, nuclear type 1. Also called: SUCCINATE CoQ REDUCTASE DEFICIENCY. Identifiers: Orphanet 3208, MedGen C5700310, MONDO:0100294, OMIM 252011.
Pheochromocytoma/paraganglioma syndrome 5. Also called: Paragangliomas 5; SDHA-Related Hereditary Paraganglioma-Pheochromocytoma Syndrome. Identifiers: Orphanet 29072, MedGen C3279992, MONDO:0013602, OMIM 614165.
Hereditary cancer-predisposing syndrome. Also called: Hereditary Cancer Syndrome; Neoplastic Syndromes, Hereditary; Tumor predisposition; Hereditary neoplastic syndrome. Identifiers: Orphanet 140162, MedGen C0027672, MeSH D009386, MONDO:0015356.

Submissions (2):

Labcorp Genetics (formerly Invitae), Labcorp
Classification: Uncertain significance for Pheochromocytoma/paraganglioma syndrome 5; Mitochondrial complex II deficiency, nuclear type 1. Last evaluated: 2025-10-28. Review status: criteria provided, single submitter. Criteria: Invitae Variant Classification Sherloc (09022015). Collection method: clinical testing. Allele origin: germline.
Comment: This sequence change replaces arginine, which is basic and polar, with leucine, which is neutral and non-polar, at codon 554 of the SDHA protein (p.Arg554Leu). This variant is not present in population databases (gnomAD no frequency). This variant has not been reported in the literature in individuals affected with SDHA-related conditions. ClinVar contains an entry for this variant (Variation ID: 935036). An algorithm developed to predict the effect of missense changes on protein structure and function (PolyPhen-2) suggests that this variant is likely to be tolerated. In summary, the available evidence is currently insufficient to determine the role of this variant in disease. Therefore, it has been classified as a Variant of Uncertain Significance.

Ambry Genetics
Classification: Uncertain significance for Hereditary cancer-predisposing syndrome. Last evaluated: 2025-08-11. Review status: criteria provided, single submitter. Criteria: Ambry Variant Classification Scheme 2023. Collection method: clinical testing. Allele origin: germline.
Comment: The p.R554L variant (also known as c.1661G>T), located in coding exon 12 of the SDHA gene, results from a G to T substitution at nucleotide position 1661. The arginine at codon 554 is replaced by leucine, an amino acid with dissimilar properties. This amino acid position is highly conserved in available vertebrate species. In addition, this alteration is predicted to be deleterious by in silico analysis. Based on the available evidence, the clinical significance of this variant remains unclear.

NM_004168.4(SDHA):c.1661G>T (p.Arg554Leu)

Gene: SDHA (succinate dehydrogenase complex flavoprotein subunit A; plus strand). Cytogenetic location: 5p15.33.
Variant type: single nucleotide variant.
Coding change: c.1661G>T on transcript NM_004168.4 (MANE Select); coding-DNA position 1661, G replaced by T.
Protein change: p.Arg554Leu; replaces arginine 554 with leucine.
Molecular consequence: missense variant. On other transcripts: intron variant (1).
Genome position (GRCh38, 1-based): chr5:251,101, G>T. VCF-style: chr5-251101-G-T. GRCh37 (hg19) VCF-style: chr5-251216-G-T.
Other names: c.1517G>T, p.Arg506Leu (NM_001294332.2); c.1552-3292G>T (NM_001330758.2); c.1661G>T (NM_004168.2); short protein forms R554L, R506L.
Identifiers: ClinVar variation 935036 (VCV000935036.11), dbSNP rs376391115, ClinGen allele CA358999000.